The following is an entry in ClinVar:

NM_001378373.1(MBL2):c.194G>C (p.Gly65Ala)

Gene: MBL2 (mannose binding lectin 2; minus strand). Cytogenetic location: 10q21.1.
Variant type: single nucleotide variant.
Coding change: c.194G>C on transcript NM_001378373.1 (MANE Select); coding-DNA position 194, G replaced by C.
Protein change: p.Gly65Ala; replaces glycine 65 with alanine.
Molecular consequence: missense variant.
Genome position (GRCh38, 1-based): chr10:52,770,780, C>G on the plus strand (G>C on the coding strand, the complement: MBL2 is on the minus strand). VCF-style: chr10-52770780-C-G. GRCh37 (hg19) VCF-style: chr10-54530540-C-G.
Other names: c.194G>C, p.Gly65Ala (NM_000242.3, NM_001378374.1); short protein forms G65A.
Identifiers: ClinVar variation 2392211 (VCV002392211.4), dbSNP rs201305883, ClinGen allele CA5504399.

ClinVar aggregate classification (germline): Uncertain significance. Review status: criteria provided, single submitter (1 of 4 stars). 2 submissions from 2 submitters: Uncertain significance (1). 1 of the submissions does not count toward it. Last evaluated 2021-12-21.

Conditions:
MBL2-related disorder. Also called: MBL2-related condition.

Allele frequency attached by ClinVar (database versions not stated): gnomAD exomes 0.00004; TOPMed 0.00009.
gnomAD v4.1: 76 of 1,457,576 alleles (0.0052%); highest among the groups gnomAD compares: Middle Eastern, 0.056%; no homozygotes.

Submissions (2):

Ambry Genetics
Classification: Uncertain significance. Last evaluated: 2021-12-21. Review status: criteria provided, single submitter. Criteria: Ambry Variant Classification Scheme 2023. Collection method: clinical testing. Allele origin: germline.

PreventionGenetics, part of Exact Sciences
Classification: Likely benign for MBL2-related condition. Last evaluated: 2022-11-23. Review status: no assertion criteria provided. Collection method: clinical testing. Allele origin: germline. Not counted in ClinVar's aggregate classification.
Comment: This variant is classified as likely benign based on ACMG/AMP sequence variant interpretation guidelines (Richards et al. 2015 PMID: 25741868, with internal and published modifications).